The following is an entry in ClinVar:

ClinVar aggregate classification (germline): Pathogenic. Review status: criteria provided, multiple submitters, no conflicts (2 of 4 stars). 5 submissions from 5 submitters: Pathogenic (4). 1 of the submissions does not count toward it. Last evaluated 2025-12-15.

Conditions:
LRP5-related disorder. Also called: LRP5-related condition.
Exudative vitreoretinopathy 1 (EVR1). Also called: CRISWICK-SCHEPENS SYNDROME; FEVR, AUTOSOMAL DOMINANT; Familial exudative vitreoretinopathy, autosomal dominant. Identifiers: Orphanet 891, Orphanet 90050, MedGen C1851402, MONDO:0007589, OMIM 133780.
Osteoporosis. Identifiers: MedGen C0029456, MONDO:0005298, OMIM 166710, HP:0000939.
Autosomal dominant osteopetrosis 1 (OPTA1). Also called: OSTEOPETROSIS, AUTOSOMAL DOMINANT, TYPE I. Identifiers: Orphanet 2783, MedGen C1843330, MONDO:0011877, OMIM 607634.
Polycystic liver disease 4 with or without kidney cysts. Identifiers: MedGen C4693479, MONDO:0044327, OMIM 617875.
Bone mineral density quantitative trait locus 1 (BMND1). Identifiers: MedGen C1866079, OMIM 601884.
Worth disease. Also called: Autosomal dominant osteosclerosis, Worth type; ENDOSTEAL HYPEROSTOSIS, AUTOSOMAL DOMINANT; OSTEOSCLEROSIS, AUTOSOMAL DOMINANT. Identifiers: Orphanet 2790, MedGen C0432273, MONDO:0007764, OMIM 144750.
Osteoporosis with pseudoglioma (OPPG). Also called: osteoporosis-pseudoglioma syndrome. Identifiers: Orphanet 2788, MedGen C0432252, MONDO:0009820, OMIM 259770.
Exudative vitreoretinopathy 4 (EVR4). Identifiers: Orphanet 891, MedGen C1866176, MONDO:0011151, OMIM 601813.

Allele frequency attached by ClinVar (database versions not stated): gnomAD exomes below 0.00001.
gnomAD v4.1: 6 of 1,613,806 alleles (0.00037%); highest among the groups gnomAD compares: Admixed American, 0.0017%; no homozygotes.

Submissions (5):

PreventionGenetics, part of Exact Sciences
Classification: Pathogenic for LRP5-related condition. Last evaluated: 2025-12-15. Review status: criteria provided, single submitter. Criteria: ACMG Guidelines, 2015. Collection method: clinical testing. Allele origin: germline.
Comment: The LRP5 c.1282C>T variant is predicted to result in premature protein termination (p.Arg428*). This variant has been reported in the homozygous state in an individual presenting with osteoporosis-pseudoglioma syndrome (Figure 2A, Gong et al 2001. PubMed ID: 11719191). This variant is absent in a large population database (gnomAD), indicating this variant is rare. Nonsense variants in LRP5 are an established mechanism of disease. This variant is interpreted as pathogenic.

GeneDx
Classification: Pathogenic. Last evaluated: 2022-11-11. Review status: criteria provided, single submitter. Criteria: GeneDx Variant Classification Process June 2021. Collection method: clinical testing. Allele origin: germline. Affected: yes.
Comment: Nonsense variant predicted to result in protein truncation or nonsense mediated decay in a gene for which loss of function is a known mechanism of disease; Not observed at significant frequency in large population cohorts (gnomAD); This variant is associated with the following publications: (PMID: 35383688, 11719191, 33707600, 16390319, 16252235)

Fulgent Genetics
Classification: Pathogenic for Exudative vitreoretinopathy 1; Worth disease; Osteoporosis; Osteoporosis with pseudoglioma; Exudative vitreoretinopathy 4; Bone mineral density quantitative trait locus 1; Autosomal dominant osteopetrosis 1; Polycystic liver disease 4 with or without kidney cysts. Last evaluated: 2022-03-10. Review status: criteria provided, single submitter. Criteria: ACMG Guidelines, 2015. Collection method: clinical testing. Allele origin: unknown.

Revvity Omics, Revvity
Classification: Pathogenic. Last evaluated: 2019-03-19. Review status: criteria provided, single submitter. Criteria: ACMG Guidelines, 2015. Collection method: clinical testing. Allele origin: germline.

OMIM
Classification: Pathogenic for OSTEOPOROSIS-PSEUDOGLIOMA SYNDROME. Last evaluated: 2001-11-16. Review status: no assertion criteria provided. Collection method: literature only. Allele origin: germline. Not counted in ClinVar's aggregate classification.

Literature cited by the submitters: PubMed 11719191 (cited by OMIM).

NM_002335.4(LRP5):c.1282C>T (p.Arg428Ter)

Gene: LRP5 (LDL receptor related protein 5; plus strand). Cytogenetic location: 11q13.2.
Variant type: single nucleotide variant.
Coding change: c.1282C>T on transcript NM_002335.4 (MANE Select); coding-DNA position 1282, C replaced by T.
Protein change: p.Arg428Ter; replaces arginine 428 with a stop codon.
Molecular consequence: nonsense. On other transcripts: 5 prime UTR variant (1).
Genome position (GRCh38, 1-based): chr11:68,386,582, C>T. VCF-style: chr11-68386582-C-T. GRCh37 (hg19) VCF-style: chr11-68154050-C-T.
Other names: c.1282C>T (NM_002335.3); c.-484C>T (NM_001291902.2); short protein forms R428*.
Identifiers: ClinVar variation 6269 (VCV000006269.10), dbSNP rs121908661, ClinGen allele CA118084.